The following is an entry in ClinVar:

NM_001378615.1(CC2D2A):c.4389A>C (p.Lys1463Asn)

Genes: CC2D2A (coiled-coil and C2 domain containing 2A; plus strand), FBXL5 (F-box and leucine rich repeat protein 5; minus strand). Cytogenetic location: 4p15.32.
Variant type: single nucleotide variant.
Coding change: c.4389A>C on transcript NM_001378615.1 (MANE Select); coding-DNA position 4389, A replaced by C.
Protein change: p.Lys1463Asn; replaces lysine 1463 with asparagine.
Molecular consequence: missense variant.
Genome position (GRCh38, 1-based): chr4:15,596,159, A>C. VCF-style: chr4-15596159-A-C. GRCh37 (hg19) VCF-style: chr4-15597782-A-C.
Other names: c.4389A>C, p.Lys1463Asn (NM_001080522.2); c.4242A>C, p.Lys1414Asn (NM_001378617.1); short protein forms K1414N, K1463N.
Identifiers: ClinVar variation 1320112 (VCV001320112.1), dbSNP rs1407804611, ClinGen allele CA356431592.

ClinVar aggregate classification (germline): Uncertain significance (1 of 4 stars; one submission).

Conditions:
Joubert syndrome 9 (JBTS9). Identifiers: Orphanet 2318, MedGen C2676788, MONDO:0012849, OMIM 612285.

Submission:

3billion
Classification: Uncertain significance for Joubert syndrome 9. Last evaluated: 2021-10-02. Review status: criteria provided, single submitter. Criteria: ACMG Guidelines, 2015. Collection method: clinical testing. Allele origin: paternal. Affected: yes. Observed: 1 heterozygote.
Comment: It is not observed in the gnomAD v2.1.1 dataset (PM2). The variant was observed in trans with a pathogenic variant (NM_001080522.2: c.4333C>T) as compound heterozygous (3billion dataset, PM3). Patient's phenotype is considered compatible with Joubert syndrome 9 (3billion dataset, PP4). Therefore, this variant is classified as pathogenic according to the recommendation of ACMG/AMP guideline.